The following is an entry in ClinVar:

ClinVar aggregate classification (germline): Uncertain significance. Review status: criteria provided, multiple submitters, no conflicts (2 of 4 stars). 2 submissions from 2 submitters: Uncertain significance (2). Last evaluated 2025-12-02.

Conditions:
Inborn genetic diseases. Identifiers: MedGen C0950123, MeSH D030342.
Nemaline myopathy 6 (NEM6). Also called: Nemaline myopathy 6, autosomal dominant. Identifiers: Orphanet 171439, MedGen C1836472, MONDO:0012237, OMIM 609273.

Submissions (2):

Labcorp Genetics (formerly Invitae), Labcorp
Classification: Uncertain significance for Nemaline myopathy 6. Last evaluated: 2025-12-02. Review status: criteria provided, single submitter. Criteria: Invitae Variant Classification Sherloc (09022015). Collection method: clinical testing. Allele origin: germline.
Comment: This sequence change replaces proline, which is neutral and non-polar, with leucine, which is neutral and non-polar, at codon 247 of the KBTBD13 protein (p.Pro247Leu). This variant is present in population databases (rs761257003, gnomAD 0.01%). This variant has not been reported in the literature in individuals affected with KBTBD13-related conditions. ClinVar contains an entry for this variant (Variation ID: 3532012). Invitae Evidence Modeling of protein sequence and biophysical properties (such as structural, functional, and spatial information, amino acid conservation, physicochemical variation, residue mobility, and thermodynamic stability) indicates that this missense variant is not expected to disrupt KBTBD13 protein function with a negative predictive value of 80%. In summary, the available evidence is currently insufficient to determine the role of this variant in disease. Therefore, it has been classified as a Variant of Uncertain Significance.

Ambry Genetics
Classification: Uncertain significance for Inborn genetic diseases. Last evaluated: 2024-09-08. Review status: criteria provided, single submitter. Criteria: Ambry Variant Classification Scheme 2023. Collection method: clinical testing. Allele origin: germline.

NM_001101362.3(KBTBD13):c.740C>T (p.Pro247Leu)

Gene: KBTBD13 (kelch repeat and BTB domain containing 13; plus strand). Cytogenetic location: 15q22.31.
Variant type: single nucleotide variant.
Coding change: c.740C>T on transcript NM_001101362.3 (MANE Select); coding-DNA position 740, C replaced by T.
Protein change: p.Pro247Leu; replaces proline 247 with leucine.
Molecular consequence: missense variant.
Genome position (GRCh38, 1-based): chr15:65,077,555, C>T. VCF-style: chr15-65077555-C-T. GRCh37 (hg19) VCF-style: chr15-65369893-C-T.
Other names: short protein forms P247L.
Identifiers: ClinVar variation 3532012 (VCV003532012.2).